The following is an entry in ClinVar:

NM_000053.4(ATP7B):c.3727del (p.Val1243fs)

Gene: ATP7B (ATPase copper transporting beta; minus strand). Cytogenetic location: 13q14.3.
Variant type: Deletion.
Coding change: c.3727del on transcript NM_000053.4 (MANE Select); coding-DNA position 3727, one base deleted (G; older notation c.3727delG).
Protein change: p.Val1243fs; shifts the reading frame from valine 1243.
Molecular consequence: frameshift variant.
Genome position (GRCh38, 1-based): chr13:51,937,652, C deleted on the plus strand (G on the coding strand, the reverse complement: ATP7B is on the minus strand); the first of 2 consecutive C bases (chr13:51,937,652-51,937,653); deleting either gives the same sequence. VCF-style (leftmost placement, unchanged base first): chr13-51937651-AC-A. GRCh37 (hg19) VCF-style: chr13-52511787-AC-A.
Other names: c.3582delG, p.Val1195Cysfs (NM_001406521.1, NM_001406522.1, NM_001406520.1); c.3543delG, p.Val1182Cysfs (NM_001406523.1); c.3144delG, p.Val1049Cysfs (NM_001406544.1); c.3078delG, p.Val1027Cysfs (NM_001406545.1); c.3045delG, p.Val1016Cysfs (NM_001406546.1); c.2883delG, p.Val962Cysfs (NM_001406547.1); c.2436delG, p.Val813Cysfs (NM_001406548.1); c.3693delG, p.Val1232Cysfs (NM_001406514.1); and 22 more; short protein forms V1159fs, V1132fs, V1165fs, V1243fs, V1036fs.
Identifiers: ClinVar variation 2019035 (VCV002019035.4), dbSNP rs1957051870, ClinGen allele CA2091554277.
Genomic context (GRCh38, chr13:51,937,651, plus strand): 5'-GCGACTTTCTTCCCTTTATTCTGGAGCTCCTGGACCTTGGCCACCTTGTGCGAAGGCAGC[AC>A]CTCTGCAAAGACTTTGTTGATGCCAACCTAAGACAAAAGGAAGGCAATGCCTAGTGTTGG-3'

ClinVar aggregate classification (germline): Pathogenic (1 of 4 stars; one submission).

Conditions:
Wilson disease (WND). Also called: Wilson's disease. Identifiers: Orphanet 905, MedGen C0019202, MONDO:0010200, OMIM 277900. Disease mechanism: loss of function.

Submission:

Labcorp Genetics (formerly Invitae), Labcorp
Classification: Pathogenic for Wilson disease. Last evaluated: 2022-12-23. Review status: criteria provided, single submitter. Criteria: Invitae Variant Classification Sherloc (09022015). Collection method: clinical testing. Allele origin: germline.
Comment: This variant has not been reported in the literature in individuals affected with ATP7B-related conditions. For these reasons, this variant has been classified as Pathogenic. This variant is not present in population databases (gnomAD no frequency). This sequence change creates a premature translational stop signal (p.Val1243Cysfs*87) in the ATP7B gene. It is expected to result in an absent or disrupted protein product. Loss-of-function variants in ATP7B are known to be pathogenic (PMID: 10441329, 16283883).

Literature cited by the submitters: PubMed 10441329; PubMed 16283883.